The following is an entry in ClinVar:

ClinVar aggregate classification (germline): Uncertain significance (1 of 4 stars; one submission).

Submission:

CeGaT Center for Human Genetics Tuebingen
Classification: Uncertain significance. Last evaluated: 2026-06-01. Review status: criteria provided, single submitter. Criteria: CeGaT Center For Human Genetics Tuebingen Variant Classification Criteria Version 2. Collection method: clinical testing. Allele origin: germline. Affected: yes. Observed: 1 variant allele.
Comment: KDM6B: PM2, PM1:Supporting, PM4:Supporting

NM_001348716.2(KDM6B):c.4180AAC[1] (p.Asn1395del)

Genes: KDM6B (lysine demethylase 6B; plus strand), LOC121587574 (Sharpr-MPRA regulatory region 3930; plus strand). Cytogenetic location: 17p13.1.
Variant type: Microsatellite.
Coding change: c.4180AAC[1] on transcript NM_001348716.2 (MANE Select); one copy of the 3-base unit AAC starting at c.4180; the reference has two copies in a row; one copy, 3 bases deleted.
Protein change: p.Asn1395del; deletes asparagine 1395.
Molecular consequence: inframe deletion.
Genome position (GRCh38, 1-based): chr17:7,851,968-7,851,970, AAC deleted; deleting any 3 consecutive bases within chr17:7,851,965-7,851,970 gives the same sequence; the position shown is the placement nearest the transcript's 3' end. VCF-style (leftmost placement, unchanged base first): chr17-7851964-TAAC-T. GRCh37 (hg19) VCF-style: chr17-7755282-TAAC-T.
Other names: c.4180AAC[1], p.Asn1395del (NM_001080424.2); short protein forms N1395del.
Identifiers: ClinVar variation 4875226 (VCV004875226.2).
Genomic context (GRCh38, chr17:7,851,964, plus strand): 5'-GCAGTTCCGACCTGGCCAGCCATGCCGTTCTCTGTCGACCCCTGCAGGCCACCAGGAGAA[TAAC>T]AACTTCTGCTCCGTCAACATCAACATTGGCCCAGGCGACTGCGAGTGGTTCGCGGTGCAC-3'